The following is an entry in ClinVar:

NM_000487.6(ARSA):c.386G>A (p.Gly129Glu)

Gene: ARSA (arylsulfatase A; minus strand). Cytogenetic location: 22q13.33.
Variant type: single nucleotide variant.
Coding change: c.386G>A on transcript NM_000487.6 (MANE Select); coding-DNA position 386, G replaced by A.
Protein change: p.Gly129Glu; replaces glycine 129 with glutamic acid.
Molecular consequence: missense variant.
Genome position (GRCh38, 1-based): chr22:50,627,245, C>T on the plus strand (G>A on the coding strand, the complement: ARSA is on the minus strand). VCF-style: chr22-50627245-C-T. GRCh37 (hg19) VCF-style: chr22-51065673-C-T.
Other names: c.386G>A, p.Gly129Glu (NM_001085425.3, NM_001085426.3, NM_001085427.3); c.128G>A, p.Gly43Glu (NM_001085428.3, NM_001362782.2); short protein forms G129E, G43E.
Identifiers: ClinVar variation 2123209 (VCV002123209.4), dbSNP rs2518333795, ClinGen allele CA412180652.

ClinVar aggregate classification (germline): Likely pathogenic (1 of 4 stars; one submission).

Conditions:
Metachromatic leukodystrophy (MLD). Also called: ARSA DEFICIENCY; CEREBROSIDE SULFATASE DEFICIENCY; Cerebral sclerosis diffuse metachromatic form; Arylsulfatase A Deficiency; METACHROMATIC LEUKOENCEPHALOPATHY; SULFATIDE LIPIDOSIS. Identifiers: Orphanet 512, MedGen C0023522, MONDO:0018868, OMIM 250100.

Submission:

Labcorp Genetics (formerly Invitae), Labcorp
Classification: Likely pathogenic for Metachromatic leukodystrophy. Last evaluated: 2025-07-07. Review status: criteria provided, single submitter. Criteria: Invitae Variant Classification Sherloc (09022015). Collection method: clinical testing. Allele origin: germline.
Comment: This sequence change replaces glycine, which is neutral and non-polar, with glutamic acid, which is acidic and polar, at codon 129 of the ARSA protein (p.Gly129Glu). This variant is not present in population databases (gnomAD no frequency). This variant has not been reported in the literature in individuals affected with ARSA-related conditions. ClinVar contains an entry for this variant (Variation ID: 2123209). Invitae Evidence Modeling of protein sequence and biophysical properties (such as structural, functional, and spatial information, amino acid conservation, physicochemical variation, residue mobility, and thermodynamic stability) indicates that this missense variant is expected to disrupt ARSA protein function with a positive predictive value of 95%. Algorithms developed to predict the effect of sequence changes on RNA splicing suggest that this variant may create or strengthen a splice site. This variant disrupts the p.Gly129 amino acid residue in ARSA. Other variant(s) that disrupt this residue have been determined to be pathogenic (PMID: 30674982; internal data). This suggests that this residue is clinically significant, and that variants that disrupt this residue are likely to be disease-causing. In summary, the currently available evidence indicates that the variant is pathogenic, but additional data are needed to prove that conclusively. Therefore, this variant has been classified as Likely Pathogenic.

Literature cited by the submitters: PubMed 30674982.